The following is an entry in ClinVar:

ClinVar aggregate classification (germline): Likely benign (1 of 4 stars; one submission).

gnomAD v4.1: 6 of 1,613,306 alleles (0.00037%); highest among the groups gnomAD compares: African/African-American, 0.0027%; no homozygotes.

Submission:

CeGaT Center for Human Genetics Tuebingen
Classification: Likely benign. Last evaluated: 2025-01-01. Review status: criteria provided, single submitter. Criteria: CeGaT Center For Human Genetics Tuebingen Variant Classification Criteria Version 2. Collection method: clinical testing. Allele origin: germline. Affected: yes. Observed: 1 variant allele.
Comment: ANKRD11: BP4

NM_013275.6(ANKRD11):c.3574G>A (p.Asp1192Asn)

Gene: ANKRD11 (ankyrin repeat domain 11; minus strand). Cytogenetic location: 16q24.3.
Variant type: single nucleotide variant.
Coding change: c.3574G>A on transcript NM_013275.6 (MANE Select); coding-DNA position 3574, G replaced by A.
Protein change: p.Asp1192Asn; replaces aspartic acid 1192 with asparagine.
Molecular consequence: missense variant.
Genome position (GRCh38, 1-based): chr16:89,282,968, C>T on the plus strand (G>A on the coding strand, the complement: ANKRD11 is on the minus strand). VCF-style: chr16-89282968-C-T. GRCh37 (hg19) VCF-style: chr16-89349376-C-T.
Other names: c.3574G>A, p.Asp1192Asn (NM_001256182.2, NM_001256183.2); short protein forms D1192N.
Identifiers: ClinVar variation 3771295 (VCV003771295.13).
Genomic context (GRCh38, chr16:89,282,968, plus strand): 5'-CTTTATCCTTCTTCTCCTTGTGCTTTTCAAAGACTTTCTCTTTTTTGTCTCTCCCCGCGT[C>T]GGCAGCCCCTCGGTCCTTTCTCCTGTCTCTGGGCTCCTTGTCCTTCTGCCTCTCAGGGTG-3'
Protein context (NP_037407.4, residues 1182-1202): RDRRKDRGAA[Asp1192Asn]AGRDKKEKVF